The following is an entry in ClinVar:

ClinVar aggregate classification (germline): Uncertain significance (1 of 4 stars; one submission).

Submission:

GeneDx
Classification: Uncertain significance. Last evaluated: 2024-02-04. Review status: criteria provided, single submitter. Criteria: GeneDx Variant Classification Process June 2021. Collection method: clinical testing. Allele origin: germline. Affected: yes.
Comment: Not observed at significant frequency in large population cohorts (gnomAD); In silico analysis supports that this missense variant does not alter protein structure/function; Has not been previously published as pathogenic or benign to our knowledge

NM_015021.3(ZNF292):c.1232A>G (p.Asn411Ser)

Gene: ZNF292 (zinc finger protein 292; plus strand). Cytogenetic location: 6q14.3.
Variant type: single nucleotide variant.
Coding change: c.1232A>G on transcript NM_015021.3 (MANE Select); coding-DNA position 1232, A replaced by G.
Protein change: p.Asn411Ser; replaces asparagine 411 with serine.
Molecular consequence: missense variant.
Genome position (GRCh38, 1-based): chr6:87,254,861, A>G. VCF-style: chr6-87254861-A-G. GRCh37 (hg19) VCF-style: chr6-87964579-A-G.
Other names: c.812A>G, p.Asn271Ser (NM_001351444.2); short protein forms N271S, N411S.
Identifiers: ClinVar variation 3368821 (VCV003368821.1).